The following is an entry in ClinVar:

ClinVar aggregate classification (germline): Uncertain significance. Review status: criteria provided, multiple submitters, no conflicts (2 of 4 stars). 2 submissions from 2 submitters: Uncertain significance (2). Last evaluated 2024-04-04.

Conditions:
Inborn genetic diseases. Identifiers: MedGen C0950123, MeSH D030342.

Allele frequency attached by ClinVar (database versions not stated): TOPMed 0.00001.
gnomAD v4.1: 11 of 1,613,914 alleles (0.00068%); highest among the groups gnomAD compares: South Asian, 0.0033%; no homozygotes.

Submissions (2):

Ambry Genetics
Classification: Uncertain significance for Inborn genetic diseases. Last evaluated: 2024-04-04. Review status: criteria provided, single submitter. Criteria: Ambry Variant Classification Scheme 2023. Collection method: clinical testing. Allele origin: germline.

Labcorp Genetics (formerly Invitae), Labcorp
Classification: Uncertain significance. Last evaluated: 2021-08-24. Review status: criteria provided, single submitter. Criteria: Invitae Variant Classification Sherloc (09022015). Collection method: clinical testing. Allele origin: germline.
Comment: This sequence change replaces arginine with cysteine at codon 2743 of the CDH23 protein (p.Arg2743Cys). The arginine residue is moderately conserved and there is a large physicochemical difference between arginine and cysteine. This variant is not present in population databases (ExAC no frequency). This variant has not been reported in the literature in individuals affected with CDH23-related conditions. Algorithms developed to predict the effect of missense changes on protein structure and function are either unavailable or do not agree on the potential impact of this missense change (SIFT: "Deleterious"; PolyPhen-2: "Not Available"; Align-GVGD: "Class C0"). In summary, the available evidence is currently insufficient to determine the role of this variant in disease. Therefore, it has been classified as a Variant of Uncertain Significance.

NM_022124.6(CDH23):c.8227C>T (p.Arg2743Cys)

Gene: CDH23 (cadherin related 23; plus strand). Cytogenetic location: 10q22.1.
Variant type: single nucleotide variant.
Coding change: c.8227C>T on transcript NM_022124.6 (MANE Select); coding-DNA position 8227, C replaced by T.
Protein change: p.Arg2743Cys; replaces arginine 2743 with cysteine.
Molecular consequence: missense variant.
Genome position (GRCh38, 1-based): chr10:71,807,325, C>T. VCF-style: chr10-71807325-C-T. GRCh37 (hg19) VCF-style: chr10-73567082-C-T.
Other names: c.1507C>T, p.Arg503Cys (NM_001171933.1, NM_001171934.1); c.8227C>T (NM_022124.5); short protein forms R2743C, R503C.
Identifiers: ClinVar variation 1479800 (VCV001479800.6), dbSNP rs760484951, ClinGen allele CA209436661.
Genomic context (GRCh38, chr10:71,807,325, plus strand): 5'-CTCCCTCTGCAGAAAGGCAGCCCCCAGTACCAGCTGCTGACAGTGCCTGAGCACTCACCA[C>T]GCGGCACCCTCGTGGGCAACGTGACAGGCGCAGTGGATGCAGATGAGGGCCCCAACGCGA-3'
Protein context (NP_071407.4, residues 2733-2753): QLLTVPEHSP[Arg2743Cys]GTLVGNVTGA